The following is an entry in ClinVar:

NM_033656.4(BRWD1):c.6148A>G (p.Thr2050Ala)

Gene: BRWD1 (bromodomain and WD repeat domain containing 1; minus strand). Cytogenetic location: 21q22.2.
Variant type: single nucleotide variant.
Coding change: c.6148A>G on transcript NM_033656.4 (MANE Select); coding-DNA position 6148, A replaced by G.
Protein change: p.Thr2050Ala; replaces threonine 2050 with alanine.
Molecular consequence: missense variant.
Genome position (GRCh38, 1-based): chr21:39,196,921, T>C on the plus strand (A>G on the coding strand, the complement: BRWD1 is on the minus strand). VCF-style: chr21-39196921-T-C. GRCh37 (hg19) VCF-style: chr21-40568847-T-C.
Other names: c.6148A>G, p.Thr2050Ala (NM_018963.5); short protein forms T2050A.
Identifiers: ClinVar variation 3056259 (VCV003056259.2), dbSNP rs73357824, ClinGen allele CA10026370.

ClinVar aggregate classification (germline): Benign (0 of 4 stars; one submission).

Conditions:
BRWD1-related disorder. Also called: BRWD1-related condition.

Allele frequency attached by ClinVar (database versions not stated): gnomAD exomes 0.00036; ExAC 0.00132; gnomAD 0.00386; TOPMed 0.00435; ESP Exome Variant Server 0.00484; 1000 Genomes Project 0.00639; 1000 Genomes Project 30x 0.00687.
gnomAD v4.1: 1,115 of 1,613,902 alleles (0.069%); highest among the groups gnomAD compares: African/African-American, 1.4%; 14 homozygotes.

Submission:

PreventionGenetics, part of Exact Sciences
Classification: Benign for BRWD1-related condition. Last evaluated: 2019-04-11. Review status: no assertion criteria provided. Collection method: clinical testing. Allele origin: germline.
Comment: This variant is classified as benign based on ACMG/AMP sequence variant interpretation guidelines (Richards et al. 2015 PMID: 25741868, with internal and published modifications).